The following is an entry in ClinVar:

ClinVar aggregate classification (germline): Benign. Review status: criteria provided, multiple submitters, no conflicts (2 of 4 stars). 3 submissions from 3 submitters: Benign (3). Last evaluated 2021-07-14.

Conditions:
Citrullinemia type I (CTNL1). Also called: ASS DEFICIENCY; argininosuccinate synthetase deficiency. Identifiers: Orphanet 247525, MedGen C4721769, MONDO:0008988, OMIM 215700.

Allele frequency attached by ClinVar (database versions not stated): TOPMed 0.94428; 1000 Genomes Project 30x 0.94660; 1000 Genomes Project 0.94868; ExAC 0.96350; gnomAD exomes 0.97728.
gnomAD v4.1: 680,272 of 700,902 alleles (97%); highest among the groups gnomAD compares: East Asian, 100%; 330,618 homozygotes.

Submissions (3):

Genome-Nilou Lab
Classification: Benign for Citrullinemia type I. Last evaluated: 2021-07-14. Review status: criteria provided, single submitter. Criteria: ACMG Guidelines, 2015. Collection method: clinical testing. Allele origin: germline. Affected: no.

GeneDx
Classification: Benign. Last evaluated: 2018-06-14. Review status: criteria provided, single submitter. Criteria: GeneDx Variant Classification (06012015). Collection method: clinical testing. Allele origin: germline. Affected: yes.
Comment: This variant is considered likely benign or benign based on one or more of the following criteria: it is a conservative change, it occurs at a poorly conserved position in the protein, it is predicted to be benign by multiple in silico algorithms, and/or has population frequency not consistent with disease.

Breakthrough Genomics
Classification: Benign. Review status: criteria provided, single submitter. Criteria: ACMG Guidelines, 2015. Collection method: not provided. Allele origin: germline. Inheritance: Autosomal recessive inheritance. Affected: yes.

NM_054012.4(ASS1):c.-5-172T>C

Gene: ASS1 (argininosuccinate synthase 1; plus strand). Cytogenetic location: 9q34.11.
Variant type: single nucleotide variant.
Coding change: c.-5-172T>C on transcript NM_054012.4 (MANE Select); 172 bases into the intron before 5 bases upstream of the start codon, T replaced by C.
Molecular consequence: intron variant.
Genome position (GRCh38, 1-based): chr9:130,452,052, T>C. VCF-style: chr9-130452052-T-C. GRCh37 (hg19) VCF-style: chr9-133327439-T-C.
Other names: c.-5-172T>C (NM_000050.4).
Identifiers: ClinVar variation 683297 (VCV000683297.5), dbSNP rs1760275, ClinGen allele CA5283101.